The following is an entry in ClinVar:

ClinVar aggregate classification (germline): Uncertain significance. Review status: criteria provided, multiple submitters, no conflicts (2 of 4 stars). 2 submissions from 2 submitters: Uncertain significance (2). Last evaluated 2025-02-03.

gnomAD v4.1: 1 of 1,612,350 alleles (0.000062%); highest among the groups gnomAD compares: African/African-American, 0.0013%; no homozygotes.

Submissions (2):

Labcorp Genetics (formerly Invitae), Labcorp
Classification: Uncertain significance. Last evaluated: 2025-02-03. Review status: criteria provided, single submitter. Criteria: Invitae Variant Classification Sherloc (09022015). Collection method: clinical testing. Allele origin: germline.
Comment: This sequence change replaces proline, which is neutral and non-polar, with alanine, which is neutral and non-polar, at codon 2519 of the HMCN1 protein (p.Pro2519Ala). This variant is not present in population databases (gnomAD no frequency). This variant has not been reported in the literature in individuals affected with HMCN1-related conditions. ClinVar contains an entry for this variant (Variation ID: 2132236). An algorithm developed to predict the effect of missense changes on protein structure and function (PolyPhen-2) suggests that this variant is likely to be tolerated. In summary, the available evidence is currently insufficient to determine the role of this variant in disease. Therefore, it has been classified as a Variant of Uncertain Significance.

Ambry Genetics
Classification: Uncertain significance. Last evaluated: 2024-10-16. Review status: criteria provided, single submitter. Criteria: Ambry Variant Classification Scheme 2023. Collection method: clinical testing. Allele origin: germline.

NM_031935.3(HMCN1):c.7555C>G (p.Pro2519Ala)

Gene: HMCN1 (hemicentin 1; plus strand). Cytogenetic location: 1q31.1.
Variant type: single nucleotide variant.
Coding change: c.7555C>G on transcript NM_031935.3 (MANE Select); coding-DNA position 7555, C replaced by G.
Protein change: p.Pro2519Ala; replaces proline 2519 with alanine.
Molecular consequence: missense variant.
Genome position (GRCh38, 1-based): chr1:186,065,279, C>G. VCF-style: chr1-186065279-C-G. GRCh37 (hg19) VCF-style: chr1-186034411-C-G.
Other names: c.7555C>G (NM_031935.2); short protein forms P2519A.
Identifiers: ClinVar variation 2132236 (VCV002132236.5), dbSNP rs865790846, ClinGen allele CA343906844.
Genomic context (GRCh38, chr1:186,065,279, plus strand): 5'-CAGAAATGGATTTTTACAGGGAATCCAGTGCCAGAAATTACATGGCACAAAGATGGGCAG[C>G]CCCTCCAAGAAGATGAAGCCCATCACATTATATCTGGTGGCCGTTTTCTTCAAATTACCA-3'
Protein context (NP_114141.2, residues 2509-2529): PEITWHKDGQ[Pro2519Ala]LQEDEAHHII